The following is an entry in ClinVar:

ClinVar aggregate classification (germline): Uncertain significance. Review status: criteria provided, multiple submitters, no conflicts (2 of 4 stars). 3 submissions from 3 submitters: Uncertain significance (3). Last evaluated 2026-04-14.

Conditions:
Familial intrahepatic cholestasis. Identifiers: Orphanet 284385, MedGen CN296401, MONDO:0017290.

Allele frequency attached by ClinVar (database versions not stated): gnomAD exomes 0.00001; gnomAD 0.00002; 1000 Genomes Project 0.00020; TOPMed 0.00002; ExAC 0.00004; 1000 Genomes Project 30x 0.00016.
gnomAD v4.1: 25 of 1,614,086 alleles (0.0015%); highest among the groups gnomAD compares: Admixed American, 0.0033%; no homozygotes.

Submissions (3):

Genomenon, Inc
Classification: Uncertain significance for Familial intrahepatic cholestasis. Last evaluated: 2026-04-14. Review status: criteria provided, single submitter. Criteria: Genomenon Sequence Variant Interpretation Standards - Updated. Collection method: curation. Allele origin: germline. Affected: yes.
Comment: ABCB4 p.Thr560Met (c.1679C>T) is a missense variant that changes the amino acid at residue 560 from Threonine to Methionine. This variant has been observed in at least one proband with an ABCB4-related disorder (PMID:37822304;32917322). It is absent or not present at a significant frequency in gnomAD. In silico models predict that this variant is possibly or probably damaging. In conclusion, we classify ABCB4 p.Thr560Met (c.1679C>T) as a variant of uncertain significance.

Women's Health and Genetics/Laboratory Corporation of America, LabCorp
Classification: Uncertain significance. Last evaluated: 2026-02-02. Review status: criteria provided, single submitter. Criteria: LabCorp Variant Classification Summary - May 2015. Collection method: clinical testing. Allele origin: germline.
Comment: Variant summary: ABCB4 c.1679C>T (p.Thr560Met) results in a non-conservative amino acid change in the encoded protein sequence. Algorithms developed to predict the effect of missense changes on protein structure and function all suggest that this variant is likely to be disruptive. The variant allele was found at a frequency of 2.8e-05 in 251320 control chromosomes. The available data on variant occurrences in the general population are insufficient to allow any conclusion about variant significance. c.1679C>T has been observed in individual(s) affected with Progressive familial intrahepatic cholestasis type 1 (Aydin_2020). These report(s) do not provide unequivocal conclusions about association of the variant with Progressive familial intrahepatic cholestasis type 1. To our knowledge, no experimental evidence demonstrating an impact on protein function has been reported. The following publication have been ascertained in the context of this evaluation (PMID: 32917322). ClinVar contains an entry for this variant (Variation ID: 2663111). Based on the evidence outlined above, the variant was classified as uncertain significance.

GeneDx
Classification: Uncertain significance. Last evaluated: 2023-05-03. Review status: criteria provided, single submitter. Criteria: GeneDx Variant Classification Process June 2021. Collection method: clinical testing. Allele origin: germline. Affected: yes.
Comment: Reported in the heterozygous state in a patient with intrahepatic cholestasis of pregnancy (Aydin et al., 2020); In silico analysis supports that this missense variant has a deleterious effect on protein structure/function; Not observed at significant frequency in large population cohorts (gnomAD); This variant is associated with the following publications: (PMID: 32917322)

Literature cited by the submitters: PubMed 37822304 (cited by Genomenon, Inc); PubMed 32917322 (cited by Genomenon, Inc and Women's Health and Genetics/Laboratory Corporation of America, LabCorp).

NM_000443.4(ABCB4):c.1679C>T (p.Thr560Met)

Gene: ABCB4 (ATP binding cassette subfamily B member 4; minus strand). Cytogenetic location: 7q21.12.
Variant type: single nucleotide variant.
Coding change: c.1679C>T on transcript NM_000443.4 (MANE Select); coding-DNA position 1679, C replaced by T.
Protein change: p.Thr560Met; replaces threonine 560 with methionine.
Molecular consequence: missense variant.
Genome position (GRCh38, 1-based): chr7:87,439,719, G>A on the plus strand (C>T on the coding strand, the complement: ABCB4 is on the minus strand). VCF-style: chr7-87439719-G-A. GRCh37 (hg19) VCF-style: chr7-87069035-G-A.
Other names: c.1679C>T, p.Thr560Met (NM_018849.3, NM_018850.3); short protein forms T560M.
Identifiers: ClinVar variation 2663111 (VCV002663111.2), dbSNP rs185760690, ClinGen allele CA4327245.